The following is an entry in ClinVar:

NM_173598.6(KSR2):c.325A>C (p.Ile109Leu)

Gene: KSR2 (kinase suppressor of ras 2; minus strand). Cytogenetic location: 12q24.23.
Variant type: single nucleotide variant.
Coding change: c.325A>C on transcript NM_173598.6 (MANE Select); coding-DNA position 325, A replaced by C.
Protein change: p.Ile109Leu; replaces isoleucine 109 with leucine.
Molecular consequence: missense variant.
Genome position (GRCh38, 1-based): chr12:117,855,575, T>G on the plus strand (A>C on the coding strand, the complement: KSR2 is on the minus strand). VCF-style: chr12-117855575-T-G. GRCh37 (hg19) VCF-style: chr12-118293380-T-G.
Other names: short protein forms I109L.
Identifiers: ClinVar variation 3354868 (VCV003354868.1).
Genomic context (GRCh38, chr12:117,855,575, plus strand): 5'-CGCACACCTGTTCATCCGTCATCTCCAAGAGGTCCTCCAGGCTCAGCTGGCCGGGGGAGA[T>G]TTCCTAGAGGAGGGGAGAAGGATTGTCAACCGTGGGGCAGGAACAGCATCTCTGCCTCCA-3'
Protein context (NP_775869.4, residues 99-119): VDVRKEVLEE[Ile109Leu]SPGQLSLEDL

ClinVar aggregate classification (germline): Uncertain significance (0 of 4 stars; one submission).

Conditions:
KSR2-related disorder. Also called: KSR2-related condition.

gnomAD v4.1: 1 of 1,613,692 alleles (0.000062%); highest among the groups gnomAD compares: African/African-American, 0.0013%; no homozygotes.

Submission:

PreventionGenetics, part of Exact Sciences
Classification: Uncertain significance for KSR2-related condition. Last evaluated: 2023-12-05. Review status: no assertion criteria provided. Collection method: clinical testing. Allele origin: germline.
Comment: The KSR2 c.238A>C variant is predicted to result in the amino acid substitution p.Ile80Leu. To our knowledge, this variant has not been reported in the literature or in a large population database, indicating this variant is rare. At this time, the clinical significance of this variant is uncertain due to the absence of conclusive functional and genetic evidence.